The following is an entry in ClinVar:

NM_138694.4(PKHD1):c.3167C>T (p.Ser1056Leu)

Gene: PKHD1 (PKHD1 ciliary IPT domain containing fibrocystin/polyductin; minus strand). Cytogenetic location: 6p12.2.
Variant type: single nucleotide variant.
Coding change: c.3167C>T on transcript NM_138694.4 (MANE Select); coding-DNA position 3167, C replaced by T.
Protein change: p.Ser1056Leu; replaces serine 1056 with leucine.
Molecular consequence: missense variant.
Genome position (GRCh38, 1-based): chr6:52,035,652, G>A on the plus strand (C>T on the coding strand, the complement: PKHD1 is on the minus strand). VCF-style: chr6-52035652-G-A. GRCh37 (hg19) VCF-style: chr6-51900450-G-A.
Other names: c.3167C>T, p.Ser1056Leu (NM_170724.3); short protein forms S1056L.
Identifiers: ClinVar variation 2200688 (VCV002200688.1), dbSNP rs569527505, ClinGen allele CA3853020.

ClinVar aggregate classification (germline): Uncertain significance (1 of 4 stars; one submission).

Conditions:
Autosomal recessive polycystic kidney disease (ARPKD). Also called: AR polycystic kidney disease. Identifiers: Orphanet 731, Orphanet 8378, MedGen C0085548, MeSH D017044, MONDO:0009889.

Allele frequency attached by ClinVar (database versions not stated): gnomAD 0.00001; gnomAD exomes 0.00001; ExAC 0.00002; 1000 Genomes Project 0.00020; 1000 Genomes Project 30x 0.00031.
gnomAD v4.1: 22 of 1,613,704 alleles (0.0014%); highest among the groups gnomAD compares: South Asian, 0.014%; no homozygotes.

Submission:

Labcorp Genetics (formerly Invitae), Labcorp
Classification: Uncertain significance for Autosomal recessive polycystic kidney disease. Last evaluated: 2021-08-27. Review status: criteria provided, single submitter. Criteria: Invitae Variant Classification Sherloc (09022015). Collection method: clinical testing. Allele origin: germline.
Comment: This sequence change replaces serine with leucine at codon 1056 of the PKHD1 protein (p.Ser1056Leu). The serine residue is moderately conserved and there is a large physicochemical difference between serine and leucine. This variant is present in population databases (rs569527505, ExAC 0.01%). This variant has not been reported in the literature in individuals affected with PKHD1-related conditions. Algorithms developed to predict the effect of missense changes on protein structure and function are either unavailable or do not agree on the potential impact of this missense change (SIFT: "Tolerated"; PolyPhen-2: "Possibly Damaging"; Align-GVGD: "Class C0"). In summary, the available evidence is currently insufficient to determine the role of this variant in disease. Therefore, it has been classified as a Variant of Uncertain Significance.